The following is an entry in ClinVar:

NM_003239.5(TGFB3):c.1080+13C>T

Gene: TGFB3 (transforming growth factor beta 3; minus strand). Cytogenetic location: 14q24.3.
Variant type: single nucleotide variant.
Coding change: c.1080+13C>T on transcript NM_003239.5 (MANE Select); 13 bases into the intron after coding-DNA position 1080, C replaced by T.
Molecular consequence: intron variant.
Genome position (GRCh38, 1-based): chr14:75,960,910, G>A on the plus strand (C>T on the coding strand, the complement: TGFB3 is on the minus strand). VCF-style: chr14-75960910-G-A. GRCh37 (hg19) VCF-style: chr14-76427253-G-A.
Other names: c.1080+13C>T (NM_001329939.2).
Identifiers: ClinVar variation 681792 (VCV000681792.3), dbSNP rs1242820215, ClinGen allele CA708615870.

ClinVar aggregate classification (germline): Likely benign. Review status: criteria provided, multiple submitters, no conflicts (2 of 4 stars). 3 submissions from 3 submitters: Likely benign (3). Last evaluated 2025-07-20.

Conditions:
Rienhoff syndrome. Also called: LOEYS-DIETZ SYNDROME 5. Identifiers: MedGen C3810012, MONDO:0014262, OMIM 615582.

Allele frequency attached by ClinVar (database versions not stated): TOPMed below 0.00001; gnomAD exomes 0.00001.
gnomAD v4.1: 13 of 1,614,044 alleles (0.00081%); highest among the groups gnomAD compares: African/African-American, 0.0013%; no homozygotes.

Submissions (3):

Labcorp Genetics (formerly Invitae), Labcorp
Classification: Likely benign for Rienhoff syndrome. Last evaluated: 2025-07-20. Review status: criteria provided, single submitter. Criteria: Invitae Variant Classification Sherloc (09022015). Collection method: clinical testing. Allele origin: germline.

Blueprint Genetics
Classification: Likely benign. Last evaluated: 2020-04-22. Review status: criteria provided, single submitter. Criteria: ACMG Guidelines, 2015. Collection method: clinical testing. Allele origin: germline.

GeneDx
Classification: Likely benign. Last evaluated: 2018-04-11. Review status: criteria provided, single submitter. Criteria: GeneDx Variant Classification (06012015). Collection method: clinical testing. Allele origin: germline. Affected: yes.
Comment: This variant is considered likely benign or benign based on one or more of the following criteria: it is a conservative change, it occurs at a poorly conserved position in the protein, it is predicted to be benign by multiple in silico algorithms, and/or has population frequency not consistent with disease.